The following is an entry in ClinVar:

ClinVar aggregate classification (germline): Pathogenic (1 of 4 stars; one submission).

Conditions:
Congenital disorder of deglycosylation (CDDG). Identifiers: MedGen C3808991, MONDO:0031376.

Submission:

Women's Health and Genetics/Laboratory Corporation of America, LabCorp
Classification: Pathogenic for Congenital disorder of deglycosylation. Last evaluated: 2024-01-12. Review status: criteria provided, single submitter. Criteria: LabCorp Variant Classification Summary - May 2015. Collection method: clinical testing. Allele origin: germline.
Comment: Variant summary: The variant involves the deletion of exon 4 in the NGLY1 gene. This Copy Number Variant (CNV) is expected to alter the reading frame and predicted to result in a truncation or absence of the encoded protein due to nonsense mediated decay (NMD). A presumed nomenclature of c.(492+1_493-1)_(658+1_659-1)del has been designated for the purposes of this classification. The variant was absent in 21694 control chromosomes (gnomAD, Structural Variants dataset). Similar deletion has been reported in the literature in individuals affected with NGLY1 deficiency associated epilepsy (examples: Truty_2019, Levy_2022). To our knowledge, no experimental evidence demonstrating an impact on protein function has been reported. ClinVar contains an entry for this variant (Variation ID: 647459). The following publications have been ascertained in the context of this evaluation (PMID: 31440721, 35243670). Based on the evidence outlined above, the variant was classified as pathogenic.

Literature cited by the submitters: PubMed 31440721; PubMed 35243670.

NC_000003.11:g.(25781291_25792588)_(25792755_25805556)del

Gene: NGLY1 (N-glycanase 1; minus strand). Cytogenetic location: 3p24.2.
Variant type: Deletion.
Identifiers: ClinVar variation 3063893 (VCV003063893.1).